The following is an entry in ClinVar:

NM_016589.4(TIMMDC1):c.707G>A (p.Trp236Ter)

Gene: TIMMDC1 (translocase of inner mitochondrial membrane domain containing 1; plus strand). Cytogenetic location: 3q13.33.
Variant type: single nucleotide variant.
Coding change: c.707G>A on transcript NM_016589.4 (MANE Select); coding-DNA position 707, G replaced by A.
Protein change: p.Trp236Ter; replaces tryptophan 236 with a stop codon.
Molecular consequence: nonsense.
Genome position (GRCh38, 1-based): chr3:119,517,315, G>A. VCF-style: chr3-119517315-G-A. GRCh37 (hg19) VCF-style: chr3-119236162-G-A.
Other names: short protein forms W236*.
Identifiers: ClinVar variation 1703278 (VCV001703278.2), dbSNP rs754090765, ClinGen allele CA2555339.

ClinVar aggregate classification (germline): Uncertain significance (1 of 4 stars; one submission).

Allele frequency attached by ClinVar (database versions not stated): TOPMed 0.00002; gnomAD 0.00003.
gnomAD v4.1: 5 of 1,601,840 alleles (0.00031%); highest among the groups gnomAD compares: African/African-American, 0.0067%; no homozygotes.

Submission:

GeneDx
Classification: Uncertain significance. Last evaluated: 2022-02-25. Review status: criteria provided, single submitter. Criteria: GeneDx Variant Classification Process June 2021. Collection method: clinical testing. Allele origin: germline. Affected: yes.
Comment: Nonsense variant predicted to result in protein truncation as the last 50 amino acids are lost, although loss-of-function variants have not been reported downstream of this position in the protein; Has not been previously published as pathogenic or benign to our knowledge